The following is an entry in ClinVar:

NM_019594.4(LRRC8A):c.2035A>G (p.Thr679Ala)

Gene: LRRC8A (leucine rich repeat containing 8 VRAC subunit A; plus strand). Cytogenetic location: 9q34.11.
Variant type: single nucleotide variant.
Coding change: c.2035A>G on transcript NM_019594.4 (MANE Select); coding-DNA position 2035, A replaced by G.
Protein change: p.Thr679Ala; replaces threonine 679 with alanine.
Molecular consequence: missense variant.
Genome position (GRCh38, 1-based): chr9:128,909,199, A>G. VCF-style: chr9-128909199-A-G. GRCh37 (hg19) VCF-style: chr9-131671478-A-G.
Other names: c.2035A>G, p.Thr679Ala (NM_001127244.2, NM_001127245.2); short protein forms T679A.
Identifiers: ClinVar variation 1039434 (VCV001039434.8), dbSNP rs779436649, ClinGen allele CA5270979.
Genomic context (GRCh38, chr9:128,909,199, plus strand): 5'-GGCAACCTCACCAACCTGGAGCGCCTCTACCTGAACCGCAACAAGATCGAGAAGATCCCC[A>G]CCCAGCTCTTCTACTGCCGCAAGCTGCGCTACCTGGACCTCAGCCACAACAACCTGACCT-3'
Protein context (NP_062540.2, residues 669-689): LNRNKIEKIP[Thr679Ala]QLFYCRKLRY

ClinVar aggregate classification (germline): Uncertain significance (1 of 4 stars; one submission).

Allele frequency attached by ClinVar (database versions not stated): gnomAD 0.00001; ExAC 0.00003; gnomAD exomes 0.00003.
gnomAD v4.1: 33 of 1,613,986 alleles (0.002%); highest among the groups gnomAD compares: South Asian, 0.036%; 1 homozygote.

Submission:

Labcorp Genetics (formerly Invitae), Labcorp
Classification: Uncertain significance. Last evaluated: 2022-02-05. Review status: criteria provided, single submitter. Criteria: Invitae Variant Classification Sherloc (09022015). Collection method: clinical testing. Allele origin: germline.
Comment: This variant is present in population databases (rs779436649, gnomAD 0.03%). In summary, the available evidence is currently insufficient to determine the role of this variant in disease. Therefore, it has been classified as a Variant of Uncertain Significance. Algorithms developed to predict the effect of missense changes on protein structure and function (SIFT, PolyPhen-2, Align-GVGD) all suggest that this variant is likely to be tolerated. ClinVar contains an entry for this variant (Variation ID: 1039434). This variant has not been reported in the literature in individuals affected with LRRC8A-related conditions. This sequence change replaces threonine, which is neutral and polar, with alanine, which is neutral and non-polar, at codon 679 of the LRRC8A protein (p.Thr679Ala).